The following is an entry in ClinVar:

ClinVar aggregate classification (germline): Uncertain significance (1 of 4 stars; one submission).

gnomAD v4.1: 2 of 1,613,990 alleles (0.00012%); highest among the groups gnomAD compares: Admixed American, 0.0017%; no homozygotes.

Submission:

Labcorp Genetics (formerly Invitae), Labcorp
Classification: Uncertain significance. Last evaluated: 2025-10-03. Review status: criteria provided, single submitter. Criteria: Invitae Variant Classification Sherloc (09022015). Collection method: clinical testing. Allele origin: germline.
Comment: This sequence change replaces serine, which is neutral and polar, with glycine, which is neutral and non-polar, at codon 556 of the BNC2 protein (p.Ser556Gly). This variant is not present in population databases (gnomAD no frequency). This variant has not been reported in the literature in individuals affected with BNC2-related conditions. ClinVar contains an entry for this variant (Variation ID: 3701005). An algorithm developed to predict the effect of missense changes on protein structure and function (PolyPhen-2) suggests that this variant is likely to be tolerated. In summary, the available evidence is currently insufficient to determine the role of this variant in disease. Therefore, it has been classified as a Variant of Uncertain Significance.

NM_017637.6(BNC2):c.1666A>G (p.Ser556Gly)

Gene: BNC2 (basonuclin zinc finger protein 2; minus strand). Cytogenetic location: 9p22.3.
Variant type: single nucleotide variant.
Coding change: c.1666A>G on transcript NM_017637.6 (MANE Select); coding-DNA position 1666, A replaced by G.
Protein change: p.Ser556Gly; replaces serine 556 with glycine.
Molecular consequence: missense variant.
Genome position (GRCh38, 1-based): chr9:16,436,528, T>C on the plus strand (A>G on the coding strand, the complement: BNC2 is on the minus strand). VCF-style: chr9-16436528-T-C. GRCh37 (hg19) VCF-style: chr9-16436526-T-C.
Other names: c.1540A>G, p.Ser514Gly (NM_001317939.2); c.1381A>G, p.Ser461Gly (NM_001317940.2); short protein forms S461G, S514G, S556G.
Identifiers: ClinVar variation 3701005 (VCV003701005.2).